The following is an entry in ClinVar:

NM_000256.3(MYBPC3):c.2250G>A (p.Thr750=)

Gene: MYBPC3 (myosin binding protein C3; minus strand). Cytogenetic location: 11p11.2.
Variant type: single nucleotide variant.
Coding change: c.2250G>A on transcript NM_000256.3 (MANE Select); coding-DNA position 2250, G replaced by A.
Protein change: p.Thr750=; no amino-acid change (threonine 750 retained).
Molecular consequence: synonymous variant.
Genome position (GRCh38, 1-based): chr11:47,338,578, C>T on the plus strand (G>A on the coding strand, the complement: MYBPC3 is on the minus strand). VCF-style: chr11-47338578-C-T. GRCh37 (hg19) VCF-style: chr11-47360129-C-T.
Other names: c.2250G>A, p.Thr750= (LRG_386t1).
Identifiers: ClinVar variation 378193 (VCV000378193.16), dbSNP rs373338699, ClinGen allele CA078601.

ClinVar aggregate classification (germline): Likely benign. Review status: criteria provided, multiple submitters, no conflicts (2 of 4 stars). 6 submissions from 6 submitters: Likely benign (6). Last evaluated 2025-11-16.

Conditions:
Cardiomyopathy (CMYO). Also called: Cardiomyopathies. Identifiers: Orphanet 167848, MedGen C0878544, MONDO:0004994, HP:0001638. Inheritance: Various modes of inheritance.
Hypertrophic cardiomyopathy. Also called: HYPERTROPHIC MYOCARDIOPATHY. Identifiers: Orphanet 217569, MedGen C0007194, MeSH D002312, MONDO:0005045, HP:0001639.
Cardiovascular phenotype. Identifiers: MedGen CN230736.

Allele frequency attached by ClinVar (database versions not stated): gnomAD exomes below 0.00001 and 0.00002; gnomAD 0.00001; ExAC 0.00002; TOPMed 0.00002; ESP Exome Variant Server 0.00024.
gnomAD v4.1: 8 of 1,613,906 alleles (0.0005%); highest among the groups gnomAD compares: Middle Eastern, 0.016%; no homozygotes.

Submissions (6):

Labcorp Genetics (formerly Invitae), Labcorp
Classification: Likely benign for Hypertrophic cardiomyopathy. Last evaluated: 2025-11-16. Review status: criteria provided, single submitter. Criteria: Invitae Variant Classification Sherloc (09022015). Collection method: clinical testing. Allele origin: germline.

Blueprint Genetics
Classification: Likely benign. Last evaluated: 2024-05-06. Review status: criteria provided, single submitter. Criteria: ACMG Guidelines, 2015. Collection method: clinical testing. Allele origin: germline.

All of Us Research Program, National Institutes of Health
Classification: Likely benign for Hypertrophic cardiomyopathy. Last evaluated: 2024-01-08. Review status: criteria provided, single submitter. Criteria: ACMG Guidelines, 2015. Collection method: clinical testing. Allele origin: germline. Inheritance: Autosomal dominant inheritance. Observed: 1 variant allele, 1 heterozygote.
Comment: This study involves interpretation of variants in research participants for the purpose of population health screening. Participant phenotype was not available at the time of variant classification. Additional details can be found in publication PMID: 35346344, PMCID: PMC8962531

Ambry Genetics
Classification: Likely benign for Cardiovascular phenotype. Last evaluated: 2022-01-24. Review status: criteria provided, single submitter. Criteria: Ambry Variant Classification Scheme 2023. Collection method: clinical testing. Allele origin: germline.

Color Diagnostics, LLC DBA Color Health
Classification: Likely benign for Cardiomyopathy. Last evaluated: 2021-01-04. Review status: criteria provided, single submitter. Criteria: ACMG Guidelines, 2015. Collection method: clinical testing. Allele origin: germline.

GeneDx
Classification: Likely benign. Last evaluated: 2017-01-31. Review status: criteria provided, single submitter. Criteria: GeneDx Variant Classification (06012015). Collection method: clinical testing. Allele origin: germline. Affected: yes.
Comment: This variant is considered likely benign or benign based on one or more of the following criteria: it is a conservative change, it occurs at a poorly conserved position in the protein, it is predicted to be benign by multiple in silico algorithms, and/or has population frequency not consistent with disease.